The following is an entry in ClinVar:

ClinVar aggregate classification (germline): Uncertain significance. Review status: criteria provided, multiple submitters, no conflicts (2 of 4 stars). 2 submissions from 2 submitters: Uncertain significance (2). Last evaluated 2025-11-21.

Conditions:
Hypertrophic cardiomyopathy. Also called: HYPERTROPHIC MYOCARDIOPATHY. Identifiers: Orphanet 217569, MedGen C0007194, MeSH D002312, MONDO:0005045, HP:0001639.
Cardiomyopathy (CMYO). Also called: Cardiomyopathies. Identifiers: Orphanet 167848, MedGen C0878544, MONDO:0004994, HP:0001638. Inheritance: Various modes of inheritance.

gnomAD v4.1: 1 of 1,614,064 alleles (0.000062%); highest among the groups gnomAD compares: East Asian, 0.0022%; no homozygotes.

Submissions (2):

Labcorp Genetics (formerly Invitae), Labcorp
Classification: Uncertain significance for Hypertrophic cardiomyopathy. Last evaluated: 2025-11-21. Review status: criteria provided, single submitter. Criteria: Invitae Variant Classification Sherloc (09022015). Collection method: clinical testing. Allele origin: germline.
Comment: This sequence change falls in intron 6 of the TNNI3 gene. It does not directly change the encoded amino acid sequence of the TNNI3 protein. It affects a nucleotide within the consensus splice site. This variant is present in population databases (no rsID available, gnomAD 0.006%). This variant has not been reported in the literature in individuals affected with TNNI3-related conditions. ClinVar contains an entry for this variant (Variation ID: 2725911). Variants that disrupt the consensus splice site are a relatively common cause of aberrant splicing (PMID: 17576681, 9536098). Algorithms developed to predict the effect of sequence changes on RNA splicing suggest that this variant is not likely to affect RNA splicing. In summary, the available evidence is currently insufficient to determine the role of this variant in disease. Therefore, it has been classified as a Variant of Uncertain Significance.

Color Diagnostics, LLC DBA Color Health
Classification: Uncertain significance for Cardiomyopathy. Last evaluated: 2025-10-14. Review status: criteria provided, single submitter. Criteria: ACMG Guidelines, 2015. Collection method: clinical testing. Allele origin: germline.
Comment: This variant causes a G to T nucleotide substitution at the +4 position of intron 6 of the TNNI3 gene. To our knowledge, functional studies have not been reported for this variant. This variant has not been reported in individuals affected with TNNI3-related disorders in the literature. This variant has been identified in 1/1461706 chromosomes in the general population by the Genome Aggregation Database (gnomAD). The available evidence is insufficient to determine the role of this variant in disease conclusively. Therefore, this variant is classified as a Variant of Uncertain Significance.

Literature cited by the submitters: PubMed 17576681 (cited by Labcorp Genetics (formerly Invitae), Labcorp); PubMed 9536098 (cited by Labcorp Genetics (formerly Invitae), Labcorp).

NM_000363.5(TNNI3):c.372+4G>T

Gene: TNNI3 (troponin I3, cardiac type; minus strand). Cytogenetic location: 19q13.42.
Variant type: single nucleotide variant.
Coding change: c.372+4G>T on transcript NM_000363.5 (MANE Select); 4 bases into the intron after coding-DNA position 372, G replaced by T.
Molecular consequence: intron variant.
Genome position (GRCh38, 1-based): chr19:55,154,737, C>A on the plus strand (G>T on the coding strand, the complement: TNNI3 is on the minus strand). VCF-style: chr19-55154737-C-A. GRCh37 (hg19) VCF-style: chr19-55666105-C-A.
Identifiers: ClinVar variation 2725911 (VCV002725911.4), dbSNP rs1285163191, ClinGen allele CA633871189.